The following is an entry in ClinVar:

NM_031293.3(PMFBP1):c.373C>T (p.Leu125=)

Gene: PMFBP1 (polyamine modulated factor 1 binding protein 1; minus strand). Cytogenetic location: 16q22.2.
Variant type: single nucleotide variant.
Coding change: c.373C>T on transcript NM_031293.3 (MANE Select); coding-DNA position 373, C replaced by T.
Protein change: p.Leu125=; no amino-acid change (leucine 125 retained).
Molecular consequence: synonymous variant. On other transcripts: 5 prime UTR variant (1).
Genome position (GRCh38, 1-based): chr16:72,154,252, G>A on the plus strand (C>T on the coding strand, the complement: PMFBP1 is on the minus strand). VCF-style: chr16-72154252-G-A. GRCh37 (hg19) VCF-style: chr16-72188151-G-A.
Other names: c.-63C>T (NM_001160213.2).
Identifiers: ClinVar variation 3047103 (VCV003047103.2), dbSNP rs370732631, ClinGen allele CA8162034.

ClinVar aggregate classification (germline): Likely benign (0 of 4 stars; one submission).

Conditions:
PMFBP1-related disorder. Also called: PMFBP1-related condition.

Allele frequency attached by ClinVar (database versions not stated): gnomAD 0.00007; ESP Exome Variant Server 0.00008; TOPMed 0.00008.
gnomAD v4.1: 161 of 1,613,982 alleles (0.01%); highest among the groups gnomAD compares: Non-Finnish European, 0.012%; no homozygotes.

Submission:

PreventionGenetics, part of Exact Sciences
Classification: Likely benign for PMFBP1-related condition. Last evaluated: 2019-03-11. Review status: no assertion criteria provided. Collection method: clinical testing. Allele origin: germline.
Comment: This variant is classified as likely benign based on ACMG/AMP sequence variant interpretation guidelines (Richards et al. 2015 PMID: 25741868, with internal and published modifications).